The following is an entry in ClinVar:

ClinVar aggregate classification (germline): Uncertain significance (1 of 4 stars; one submission).

Submission:

CeGaT Center for Human Genetics Tuebingen
Classification: Uncertain significance. Last evaluated: 2024-11-01. Review status: criteria provided, single submitter. Criteria: CeGaT Center For Human Genetics Tuebingen Variant Classification Criteria Version 2. Collection method: clinical testing. Allele origin: germline. Affected: yes. Observed: 1 variant allele.
Comment: MYH2: PM2

NM_017534.6(MYH2):c.4001C>T (p.Ala1334Val)

Genes: MYH2 (myosin heavy chain 2; minus strand), MYHAS (myosin heavy chain gene cluster antisense RNA; plus strand). Cytogenetic location: 17p13.1.
Variant type: single nucleotide variant.
Coding change: c.4001C>T on transcript NM_017534.6 (MANE Select); coding-DNA position 4001, C replaced by T.
Protein change: p.Ala1334Val; replaces alanine 1334 with valine.
Molecular consequence: missense variant.
Genome position (GRCh38, 1-based): chr17:10,526,785, G>A on the plus strand (C>T on the coding strand, the complement: MYH2 is on the minus strand). VCF-style: chr17-10526785-G-A. GRCh37 (hg19) VCF-style: chr17-10430102-G-A.
Other names: c.4001C>T, p.Ala1334Val (NM_001100112.2); short protein forms A1334V.
Identifiers: ClinVar variation 3388719 (VCV003388719.14).